The following is an entry in ClinVar:

NM_002332.3(LRP1):c.7458C>T (p.Asn2486=)

Gene: LRP1 (LDL receptor related protein 1; plus strand). Cytogenetic location: 12q13.3.
Variant type: single nucleotide variant.
Coding change: c.7458C>T on transcript NM_002332.3 (MANE Select); coding-DNA position 7458, C replaced by T.
Protein change: p.Asn2486=; no amino-acid change (asparagine 2486 retained).
Molecular consequence: synonymous variant.
Genome position (GRCh38, 1-based): chr12:57,192,873, C>T. VCF-style: chr12-57192873-C-T. GRCh37 (hg19) VCF-style: chr12-57586656-C-T.
Identifiers: ClinVar variation 3053286 (VCV003053286.3), dbSNP rs143564505, ClinGen allele CA6644057.
Genomic context (GRCh38, chr12:57,192,873, plus strand): 5'-TCCAGCCCTGCGCCCACCCTGTCCCTGCTCAGGTGAACTCTCTCCATGCCGAATCAACAA[C>T]GGTGGCTGCCAGGACCTGTGTCTGCTCACTCACCAGGGCCATGTCAACTGCTCATGCCGA-3'
Protein context (NP_002323.2, residues 2476-2496): SCELSPCRIN[Asn2486=]GGCQDLCLLT

ClinVar aggregate classification (germline): Likely benign. Review status: criteria provided, single submitter (1 of 4 stars). 2 submissions from 2 submitters: Likely benign (1). 1 of the submissions does not count toward it. Last evaluated 2024-11-21.

Conditions:
LRP1-related disorder. Also called: LRP1-related condition.

Allele frequency attached by ClinVar (database versions not stated): ESP Exome Variant Server 0.00015; gnomAD 0.00031; TOPMed 0.00036; gnomAD exomes 0.00045; ExAC 0.00050; 1000 Genomes Project 30x 0.00094; 1000 Genomes Project 0.00100.
gnomAD v4.1: 708 of 1,614,142 alleles (0.044%); highest among the groups gnomAD compares: East Asian, 0.18%; 2 homozygotes.

Submissions (2):

Blueprint Genetics
Classification: Likely benign. Last evaluated: 2024-11-21. Review status: criteria provided, single submitter. Criteria: ACMG Guidelines, 2015. Collection method: clinical testing. Allele origin: germline.

PreventionGenetics, part of Exact Sciences
Classification: Likely benign for LRP1-related condition. Last evaluated: 2019-09-05. Review status: no assertion criteria provided. Collection method: clinical testing. Allele origin: germline. Not counted in ClinVar's aggregate classification.
Comment: This variant is classified as likely benign based on ACMG/AMP sequence variant interpretation guidelines (Richards et al. 2015 PMID: 25741868, with internal and published modifications).